The following is an entry in ClinVar:

ClinVar aggregate classification (germline): Pathogenic (1 of 4 stars; one submission).

Conditions:
Symmetrical dyschromatosis of extremities (DSH). Also called: Dyschromatosis symmetrica hereditaria; RETICULATE ACROPIGMENTATION OF DOHI; SYMMETRIC DYSCHROMATOSIS OF THE EXTREMITIES; DYSCHROMATOSIS SYMMETRICA HEREDITARIA 1. Identifiers: Orphanet 41, MedGen C0406775, MONDO:0007483, OMIM 127400.
Aicardi-Goutieres syndrome 6 (AGS6). Identifiers: Orphanet 51, MedGen C3539013, MONDO:0014007, OMIM 615010.

Submission:

Labcorp Genetics (formerly Invitae), Labcorp
Classification: Pathogenic for Aicardi-Goutieres syndrome 6; Symmetrical dyschromatosis of extremities. Last evaluated: 2023-12-19. Review status: criteria provided, single submitter. Criteria: Invitae Variant Classification Sherloc (09022015). Collection method: clinical testing. Allele origin: germline.
Comment: This sequence change creates a premature translational stop signal (p.Met981Alafs*77) in the ADAR gene. It is expected to result in an absent or disrupted protein product. Loss-of-function variants in ADAR are known to be pathogenic (PMID: 22974014). This variant is not present in population databases (gnomAD no frequency). This variant has not been reported in the literature in individuals affected with ADAR-related conditions. ClinVar contains an entry for this variant (Variation ID: 1073687). For these reasons, this variant has been classified as Pathogenic.

Literature cited by the submitters: PubMed 22974014.

NM_001111.5(ADAR):c.2929_2939dup (p.Met981fs)

Gene: ADAR (adenosine deaminase RNA specific; minus strand). Cytogenetic location: 1q21.3.
Variant type: Duplication.
Coding change: c.2929_2939dup on transcript NM_001111.5 (MANE Select); coding-DNA positions 2929 to 2939, 11 bases duplicated (AGCGACCGTGC).
Protein change: p.Met981fs; shifts the reading frame from methionine 981.
Molecular consequence: frameshift variant.
Genome position (GRCh38, 1-based): chr1:154,588,205-154,588,215, GCACGGTCGCT duplicated on the plus strand (AGCGACCGTGC on the coding strand, the reverse complement: ADAR is on the minus strand); duplicating any 11 consecutive bases within chr1:154,588,205-154,588,218 gives the same sequence; the c. name uses the placement nearest the transcript's 3' end. VCF-style (leftmost placement, unchanged base first): chr1-154588204-A-AGCACGGTCGCT. GRCh37 (hg19) VCF-style: chr1-154560680-A-AGCACGGTCGCT.
Other names: c.2044_2054dup, p.Met686fs (NM_001025107.3, NM_001193495.2, NM_001365046.1 and 2 more transcripts); c.2956_2966dup, p.Met990fs (NM_001365045.1); c.1966_1976dup, p.Met660fs (NM_001365049.1); c.2851_2861dup, p.Met955fs (NM_015840.4); c.2794_2804dup, p.Met936fs (NM_015841.4); short protein forms M660fs, M686fs, M936fs, M955fs, M981fs, M990fs.
Identifiers: ClinVar variation 1073687 (VCV001073687.7), dbSNP rs2101576292, ClinGen allele CA2499214198.